The following is an entry in ClinVar:

NM_138295.5(PKD1L1):c.7646G>A (p.Gly2549Asp)

Genes: PKD1L1 (polycystin 1 like 1, transient receptor potential channel interacting; minus strand), PKD1L1-AS1 (PKD1L1 antisense RNA 1; plus strand). Cytogenetic location: 7p12.3.
Variant type: single nucleotide variant.
Coding change: c.7646G>A on transcript NM_138295.5 (MANE Select); coding-DNA position 7646, G replaced by A.
Protein change: p.Gly2549Asp; replaces glycine 2549 with aspartic acid.
Molecular consequence: missense variant.
Genome position (GRCh38, 1-based): chr7:47,809,513, C>T on the plus strand (G>A on the coding strand, the complement: PKD1L1 is on the minus strand). VCF-style: chr7-47809513-C-T. GRCh37 (hg19) VCF-style: chr7-47849111-C-T.
Other names: short protein forms G2549D.
Identifiers: ClinVar variation 3355537 (VCV003355537.2).
Genomic context (GRCh38, chr7:47,809,513, plus strand): 5'-AATGACACAAGAGAGGCTACCTCCAGCCAGTTCCTTGGCTTTCGCCAGTAGCTGAGGACG[C>T]CCTTGTCCATCATACGGTAGAGTTGAACACAGAGGTGGATCAGGCTGAGTGCCAGGAAGA-3'
Protein context (NP_612152.1, residues 2539-2559): CVQLYRMMDK[Gly2549Asp]VLSYWRKPRN

ClinVar aggregate classification (germline): Uncertain significance. Review status: criteria provided, single submitter (1 of 4 stars). 2 submissions from 2 submitters: Uncertain significance (1). 1 of the submissions does not count toward it. Last evaluated 2025-06-29.

Conditions:
PKD1L1-related disorder. Also called: PKD1L1-related condition.
Inborn genetic diseases. Identifiers: MedGen C0950123, MeSH D030342.

gnomAD v4.1: 9 of 1,609,516 alleles (0.00056%); highest among the groups gnomAD compares: Admixed American, 0.0017%; no homozygotes.

Submissions (2):

Ambry Genetics
Classification: Uncertain significance for Inborn genetic diseases. Last evaluated: 2025-06-29. Review status: criteria provided, single submitter. Criteria: Ambry Variant Classification Scheme 2023. Collection method: clinical testing. Allele origin: germline.

PreventionGenetics, part of Exact Sciences
Classification: Uncertain significance for PKD1L1-related condition. Last evaluated: 2024-09-05. Review status: no assertion criteria provided. Collection method: clinical testing. Allele origin: germline. Not counted in ClinVar's aggregate classification.
Comment: The PKD1L1 c.7646G>A variant is predicted to result in the amino acid substitution p.Gly2549Asp. To our knowledge, this variant has not been reported in the literature. This variant is reported in 0.0018% of alleles in individuals of European (Non-Finnish) descent in gnomAD. At this time, the clinical significance of this variant is uncertain due to the absence of conclusive functional and genetic evidence.